The following is an entry in ClinVar:

NM_001886.3(CRYBA4):c.277T>C (p.Ser93Pro)

Gene: CRYBA4 (crystallin beta A4; plus strand). Cytogenetic location: 22q12.1.
Variant type: single nucleotide variant.
Coding change: c.277T>C on transcript NM_001886.3 (MANE Select); coding-DNA position 277, T replaced by C.
Protein change: p.Ser93Pro; replaces serine 93 with proline.
Molecular consequence: missense variant.
Genome position (GRCh38, 1-based): chr22:26,625,599, T>C. VCF-style: chr22-26625599-T-C. GRCh37 (hg19) VCF-style: chr22-27021563-T-C.
Other names: short protein forms S93P.
Identifiers: ClinVar variation 1343240 (VCV001343240.3), dbSNP rs2145980854, ClinGen allele CA411038262.
Genomic context (GRCh38, chr22:26,625,599, plus strand): 5'-GAATATCCAAGCTGGGATGCCTGGGGCGGCAACACGGCCTACCCCGCCGAGAGGCTCACC[T>C]CCTTCCGGCCTGCGGCCTGTGCTGTAAGTTCTACCACTGCTGCATCCCGGGGAGGCCCAA-3'
Protein context (NP_001877.1, residues 83-103): NTAYPAERLT[Ser93Pro]FRPAACANHR

ClinVar aggregate classification (germline): Likely pathogenic (1 of 4 stars; one submission).

Conditions:
Cataract 23 (CTRCT23). Also called: CATARACT 23, LAMELLAR; Cataract 23, multiple types. Identifiers: Orphanet 91492, MedGen C3808012, MONDO:0012489, OMIM 610425.

Submission:

Institute of Human Genetics, Clinical Exome/Genome Diagnostics Group, University Hospital Bonn
Classification: Likely pathogenic for Cataract 23. Last evaluated: 2021-08-11. Review status: criteria provided, single submitter. Criteria: ACMG Guidelines, 2015. Collection method: clinical testing. Allele origin: de novo. Affected: yes.
Comment: PS2, PS4_moderate, PM2, PP3